The following is an entry in ClinVar:

ClinVar aggregate classification (germline): Pathogenic/Likely pathogenic. Review status: criteria provided, multiple submitters, no conflicts (2 of 4 stars). 4 submissions from 4 submitters: Pathogenic (3); Likely pathogenic (1). Last evaluated 2025-03-20.

Conditions:
Bardet-Biedl syndrome (BBS). Identifiers: Orphanet 110, MedGen C0752166, MONDO:0015229.
McKusick-Kaufman syndrome (MKKS). Also called: HYDROMETROCOLPOS SYNDROME; HYDROMETROCOLPOS, POSTAXIAL POLYDACTYLY, AND CONGENITAL HEART MALFORMATION. Identifiers: Orphanet 2473, MedGen C0948368, MONDO:0009367, OMIM 236700.
Bardet-Biedl syndrome 6 (BBS6). Identifiers: Orphanet 110, MedGen C1858054, MONDO:0011523, OMIM 605231.

Allele frequency attached by ClinVar (database versions not stated): gnomAD 0.00025 and 0.00001; TOPMed 0.00033; gnomAD exomes below 0.00001.
gnomAD v4.1: 38 of 1,614,114 alleles (0.0024%); highest among the groups gnomAD compares: Non-Finnish European, 0.00042%; 1 homozygote.

Submissions (4):

Women's Health and Genetics/Laboratory Corporation of America, LabCorp
Classification: Pathogenic for Bardet-Biedl syndrome. Last evaluated: 2025-03-20. Review status: criteria provided, single submitter. Criteria: LabCorp Variant Classification Summary - May 2015. Collection method: clinical testing. Allele origin: germline.
Comment: Variant summary: MKKS c.250C>T (p.His84Tyr) results in a conservative amino acid change in the encoded protein sequence. Four of five in-silico tools predict a damaging effect of the variant on protein function. The variant allele was found at a frequency of 4e-06 in 251330 control chromosomes (gnomAD). c.250C>T has been reported in the literature in multiple individuals affected with McKusick-Kaufman syndrome and co-segregated with the disease (Stone_2000, Nakane_2005). These data indicate that the variant is very likely to be associated with disease. At least two publications report this variant affected the MKKS protein function (Hirayama_2008, Scott_2017). The following publications have been ascertained in the context of this evaluation (PMID: 18094050, 16104012, 28753627, 10802661, 20498079, 9467007). ClinVar contains an entry for this variant (Variation ID: 478890). Based on the evidence outlined above, the variant was classified as pathogenic.

GeneDx
Classification: Pathogenic. Last evaluated: 2024-11-21. Review status: criteria provided, single submitter. Criteria: GeneDx Variant Classification Process June 2021. Collection method: clinical testing. Allele origin: germline. Affected: yes.
Comment: Published functional studies demonstrate a damaging effect: depleted MKKS expression and stability (PMID: 18094050); Not observed at significant frequency in large population cohorts (gnomAD); In silico analysis supports that this missense variant has a deleterious effect on protein structure/function; This variant is associated with the following publications: (PMID: 18094050, 20498079, 28753627, 31028937, 15772095, 11179009, 12107442, 21044901, 20120035, 10802661, 15637713, 16104012)

Labcorp Genetics (formerly Invitae), Labcorp
Classification: Pathogenic for McKusick-Kaufman syndrome; Bardet-Biedl syndrome. Last evaluated: 2024-05-13. Review status: criteria provided, single submitter. Criteria: Invitae Variant Classification Sherloc (09022015). Collection method: clinical testing. Allele origin: germline.
Comment: This sequence change replaces histidine, which is basic and polar, with tyrosine, which is neutral and polar, at codon 84 of the MKKS protein (p.His84Tyr). This variant is not present in population databases (gnomAD no frequency). This missense change has been observed in individual(s) with McKusick-Kaufman syndrome (PMID: 10802661, 16104012). It has also been observed to segregate with disease in related individuals. ClinVar contains an entry for this variant (Variation ID: 478890). Advanced modeling of protein sequence and biophysical properties (such as structural, functional, and spatial information, amino acid conservation, physicochemical variation, residue mobility, and thermodynamic stability) has been performed at Invitae for this missense variant, however the output from this modeling did not meet the statistical confidence thresholds required to predict the impact of this variant on MKKS protein function. Experimental studies have shown that this missense change affects MKKS function (PMID: 18094050, 20498079, 28753627). For these reasons, this variant has been classified as Pathogenic.

Baylor Genetics
Classification: Likely pathogenic for Bardet-Biedl syndrome 6. Last evaluated: 2024-02-19. Review status: criteria provided, single submitter. Criteria: ACMG Guidelines, 2015. Collection method: clinical testing. Allele origin: unknown.

Literature cited by the submitters: PubMed 20498079 (cited by Women's Health and Genetics/Laboratory Corporation of America, LabCorp and Labcorp Genetics (formerly Invitae), Labcorp); PubMed 18094050 (cited by Women's Health and Genetics/Laboratory Corporation of America, LabCorp and Labcorp Genetics (formerly Invitae), Labcorp); PubMed 10802661 (cited by Women's Health and Genetics/Laboratory Corporation of America, LabCorp and Labcorp Genetics (formerly Invitae), Labcorp); PubMed 16104012 (cited by Women's Health and Genetics/Laboratory Corporation of America, LabCorp and Labcorp Genetics (formerly Invitae), Labcorp); PubMed 28753627 (cited by Women's Health and Genetics/Laboratory Corporation of America, LabCorp and Labcorp Genetics (formerly Invitae), Labcorp); PubMed 9467007 (cited by Women's Health and Genetics/Laboratory Corporation of America, LabCorp).

NM_170784.3(MKKS):c.250C>T (p.His84Tyr)

Gene: MKKS (MKKS centrosomal shuttling protein; minus strand). Cytogenetic location: 20p12.2.
Variant type: single nucleotide variant.
Coding change: c.250C>T on transcript NM_170784.3 (MANE Select); coding-DNA position 250, C replaced by T.
Protein change: p.His84Tyr; replaces histidine 84 with tyrosine.
Molecular consequence: missense variant.
Genome position (GRCh38, 1-based): chr20:10,413,265, G>A on the plus strand (C>T on the coding strand, the complement: MKKS is on the minus strand). VCF-style: chr20-10413265-G-A. GRCh37 (hg19) VCF-style: chr20-10393913-G-A.
Other names: c.250C>T, p.His84Tyr (NM_018848.3); short protein forms H84Y.
Identifiers: ClinVar variation 478890 (VCV000478890.14), dbSNP rs281797258, ClinGen allele CA028791.
Genomic context (GRCh38, chr20:10,413,265, plus strand): 5'-CAATCAGGTTGCAGCAAAGAATAGCTGTGAATAAGCCACAATCACTGAAGCTTGACACAT[G>A]ATTCTGTATGGAGGCTGTCAGGATCTTTAAAATGGGATGTGTGACCAAAAGGTGACTGAG-3'
Protein context (NP_740754.1, residues 74-94): LKILTASIQN[His84Tyr]VSSFSDCGLF